The following is an entry in ClinVar:

ClinVar aggregate classification (germline): Uncertain significance (1 of 4 stars; one submission).

Conditions:
Inborn genetic diseases. Identifiers: MedGen C0950123, MeSH D030342.

Submission:

Ambry Genetics
Classification: Uncertain significance for Inborn genetic diseases. Last evaluated: 2022-02-12. Review status: criteria provided, single submitter. Criteria: Ambry Variant Classification Scheme 2023. Collection method: clinical testing. Allele origin: germline.
Comment: The p.D300E variant (also known as c.900C>G), located in coding exon 4 of the PIK3CA gene, results from a C to G substitution at nucleotide position 900. The aspartic acid at codon 300 is replaced by glutamic acid, an amino acid with highly similar properties. This amino acid position is conserved. In addition, this alteration is predicted to be tolerated by in silico analysis. Since supporting evidence is limited at this time, the clinical significance of this alteration remains unclear.

NM_006218.4(PIK3CA):c.900C>G (p.Asp300Glu)

Gene: PIK3CA (phosphatidylinositol-4,5-bisphosphate 3-kinase catalytic subunit alpha; plus strand). Cytogenetic location: 3q26.32.
Variant type: single nucleotide variant.
Coding change: c.900C>G on transcript NM_006218.4 (MANE Select); coding-DNA position 900, C replaced by G.
Protein change: p.Asp300Glu; replaces aspartic acid 300 with glutamic acid.
Molecular consequence: missense variant.
Genome position (GRCh38, 1-based): chr3:179,203,630, C>G. VCF-style: chr3-179203630-C-G. GRCh37 (hg19) VCF-style: chr3-178921418-C-G.
Other names: short protein forms D300E.
Identifiers: ClinVar variation 1765454 (VCV001765454.2), dbSNP rs2108392826, ClinGen allele CA355280218.